The following is an entry in ClinVar:

NM_152617.4(RNF168):c.1698del (p.Gln567fs)

Gene: RNF168 (ring finger protein 168; minus strand). Cytogenetic location: 3q29.
Variant type: Deletion.
Coding change: c.1698del on transcript NM_152617.4 (MANE Select); coding-DNA position 1698, one base deleted (T; older notation c.1698delT).
Protein change: p.Gln567fs; shifts the reading frame from glutamine 567.
Molecular consequence: frameshift variant.
Genome position (GRCh38, 1-based): chr3:196,471,837, A deleted on the plus strand (T on the coding strand, the reverse complement: RNF168 is on the minus strand); the first of 3 consecutive A bases (chr3:196,471,837-196,471,839); deleting any one gives the same sequence. VCF-style (leftmost placement, unchanged base first): chr3-196471836-GA-G. GRCh37 (hg19) VCF-style: chr3-196198707-GA-G.
Other names: short protein forms Q567fs.
Identifiers: ClinVar variation 1370431 (VCV001370431.6), dbSNP rs2108643704, ClinGen allele CA2573136876.

ClinVar aggregate classification (germline): Uncertain significance (1 of 4 stars; one submission).

Submission:

Labcorp Genetics (formerly Invitae), Labcorp
Classification: Uncertain significance. Last evaluated: 2021-02-07. Review status: criteria provided, single submitter. Criteria: Invitae Variant Classification Sherloc (09022015). Collection method: clinical testing. Allele origin: germline.
Comment: This variant is not present in population databases (ExAC no frequency). This sequence change results in a frameshift in the RNF168 gene (p.Gln567Argfs*9). While this is not anticipated to result in nonsense mediated decay, it is expected to disrupt the last 5 amino acid(s) of the RNF168 protein and extend the protein by 3 additional amino acid residues. This variant has not been reported in the literature in individuals with RNF168-related conditions. Experimental studies and prediction algorithms are not available or were not evaluated, and the functional significance of this variant is currently unknown. In summary, the available evidence is currently insufficient to determine the role of this variant in disease. Therefore, it has been classified as a Variant of Uncertain Significance.